The following is an entry in ClinVar:

NM_004770.3(KCNB2):c.1321G>C (p.Glu441Gln)

Gene: KCNB2 (potassium voltage-gated channel subfamily B member 2; plus strand). Cytogenetic location: 8q21.11.
Variant type: single nucleotide variant.
Coding change: c.1321G>C on transcript NM_004770.3 (MANE Select); coding-DNA position 1321, G replaced by C.
Protein change: p.Glu441Gln; replaces glutamic acid 441 with glutamine.
Molecular consequence: missense variant.
Genome position (GRCh38, 1-based): chr8:72,936,676, G>C. VCF-style: chr8-72936676-G-C. GRCh37 (hg19) VCF-style: chr8-73848911-G-C.
Other names: short protein forms E441Q.
Identifiers: ClinVar variation 4975177 (VCV004975177.1).
Genomic context (GRCh38, chr8:72,936,676, plus strand): 5'-TCTGAGTTTTACAAGGAGCAGAAACGCCAAGAGAAAGCAATTAAAAGGAGGGAGGCTCTT[G>C]AGCGGGCCAAAAGGAACGGAAGCATCGTTTCTATGAACTTAAAAGATGCCTTCGCTCGAA-3'
Protein context (NP_004761.2, residues 431-451): EKAIKRREAL[Glu441Gln]RAKRNGSIVS

ClinVar aggregate classification (germline): Uncertain significance (1 of 4 stars; one submission).

Submission:

GeneDx
Classification: Uncertain significance. Last evaluated: 2026-03-17. Review status: criteria provided, single submitter. Criteria: GeneDx Variant Classification Process June 2021. Collection method: clinical testing. Allele origin: germline.
Comment: Not observed at significant frequency in large population cohorts (gnomAD); In silico analysis supports that this missense variant has a deleterious effect on protein structure/function; Has not been previously published as pathogenic or benign to our knowledge